The following is an entry in ClinVar:

NM_001168235.2(FREM3):c.1431A>G (p.Arg477=)

Gene: FREM3 (FRAS1 related extracellular matrix 3; minus strand). Cytogenetic location: 4q31.21.
Variant type: single nucleotide variant.
Coding change: c.1431A>G on transcript NM_001168235.2 (MANE Select); coding-DNA position 1431, A replaced by G.
Protein change: p.Arg477=; no amino-acid change (arginine 477 retained).
Molecular consequence: synonymous variant.
Genome position (GRCh38, 1-based): chr4:143,699,245, T>C on the plus strand (A>G on the coding strand, the complement: FREM3 is on the minus strand). VCF-style: chr4-143699245-T-C. GRCh37 (hg19) VCF-style: chr4-144620398-T-C.
Identifiers: ClinVar variation 2655107 (VCV002655107.24), dbSNP rs757490702, ClinGen allele CA3091860.

ClinVar aggregate classification (germline): Likely benign (1 of 4 stars; one submission).

Allele frequency attached by ClinVar (database versions not stated): gnomAD 0.00011; ExAC 0.00134.
gnomAD v4.1: 289 of 1,537,180 alleles (0.019%); highest among the groups gnomAD compares: South Asian, 0.28%; 5 homozygotes.

Submission:

CeGaT Center for Human Genetics Tuebingen
Classification: Likely benign. Last evaluated: 2022-08-01. Review status: criteria provided, single submitter. Criteria: CeGaT Center For Human Genetics Tuebingen Variant Classification Criteria Version 2. Collection method: clinical testing. Allele origin: germline. Affected: yes. Observed: 1 variant allele.
Comment: FREM3: BP4, BP7